The following is an entry in ClinVar:

ClinVar aggregate classification (germline): Uncertain significance. Review status: criteria provided, multiple submitters, no conflicts (2 of 4 stars). 3 submissions from 3 submitters: Uncertain significance (3). Last evaluated 2025-09-15.

Conditions:
UGT1A1-related disorder. Also called: UGT1A1-related condition; UGT1A1-related disorders.

Allele frequency attached by ClinVar (database versions not stated): gnomAD exomes 0.00002 and 0.00004; ExAC 0.00004; gnomAD 0.00007 and 0.00008; ESP Exome Variant Server 0.00008; TOPMed 0.00010; 1000 Genomes Project 30x 0.00016; 1000 Genomes Project 0.00020.
gnomAD v4.1: 47 of 1,614,194 alleles (0.0029%); highest among the groups gnomAD compares: Middle Eastern, 0.016%; no homozygotes.

Submissions (3):

PreventionGenetics, part of Exact Sciences
Classification: Uncertain significance for UGT1A1-related condition. Last evaluated: 2025-09-15. Review status: criteria provided, single submitter. Criteria: ACMG Guidelines, 2015. Collection method: clinical testing. Allele origin: germline.
Comment: The UGT1A1 c.1348C>T variant is predicted to result in the amino acid substitution p.Arg450Cys. This variant has not been reported in the literature in individuals with UGT1A1-related disorders. This variant is reported in 0.020% of alleles in individuals of African descent in gnomAD. At this time, the clinical significance of this variant is uncertain due to the absence of conclusive functional and genetic evidence.

Labcorp Genetics (formerly Invitae), Labcorp
Classification: Uncertain significance. Last evaluated: 2022-04-26. Review status: criteria provided, single submitter. Criteria: Invitae Variant Classification Sherloc (09022015). Collection method: clinical testing. Allele origin: germline.
Comment: This sequence change replaces arginine, which is basic and polar, with cysteine, which is neutral and slightly polar, at codon 450 of the UGT1A1 protein (p.Arg450Cys). This variant is present in population databases (rs201427749, gnomAD 0.02%). This variant has not been reported in the literature in individuals affected with UGT1A1-related conditions. ClinVar contains an entry for this variant (Variation ID: 596200). Algorithms developed to predict the effect of missense changes on protein structure and function are either unavailable or do not agree on the potential impact of this missense change (SIFT: "Not Available"; PolyPhen-2: "Probably Damaging"; Align-GVGD: "Not Available"). In summary, the available evidence is currently insufficient to determine the role of this variant in disease. Therefore, it has been classified as a Variant of Uncertain Significance.

Eurofins Ntd Llc (ga)
Classification: Uncertain significance. Last evaluated: 2018-02-20. Review status: criteria provided, single submitter. Criteria: EGL ClinVar v180209 classification definitions. Collection method: clinical testing. Allele origin: germline. Observed: 1 variant allele, 1 heterozygote.

NM_000463.3(UGT1A1):c.1348C>T (p.Arg450Cys)

Genes: UGT1A9 (UDP glucuronosyltransferase family 1 member A9; plus strand), UGT1A (UDP glucuronosyltransferase family 1 member A complex locus; plus strand), UGT1A1 (UDP glucuronosyltransferase family 1 member A1; plus strand), UGT1A10 (UDP glucuronosyltransferase family 1 member A10; plus strand), UGT1A3 (UDP glucuronosyltransferase family 1 member A3; plus strand) and 5 more. Cytogenetic location: 2q37.1.
Variant type: single nucleotide variant.
Coding change: c.1348C>T on transcript NM_000463.3 (MANE Select); coding-DNA position 1348, C replaced by T.
Protein change: p.Arg450Cys; replaces arginine 450 with cysteine.
Molecular consequence: missense variant.
Genome position (GRCh38, 1-based): chr2:233,772,305, C>T. VCF-style: chr2-233772305-C-T. GRCh37 (hg19) VCF-style: chr2-234680951-C-T.
Other names: c.1339C>T, p.Arg447Cys (NM_019075.4, NM_019076.5, NM_019077.3 and 1 more transcripts); c.1345C>T, p.Arg449Cys (NM_001072.4); c.544C>T, p.Arg182Cys (NM_205862.3); c.1351C>T, p.Arg451Cys (NM_019078.2, NM_007120.3, NM_019093.4); short protein forms R450C, R182C, R447C, R449C, R451C.
Identifiers: ClinVar variation 596200 (VCV000596200.9), dbSNP rs201427749, ClinGen allele CA2180096.
Genomic context (GRCh38, chr2:233,772,305, plus strand): 5'-ACTGTCTTTGTGTTTAGTTACAAGGAGAACATCATGCGCCTCTCCAGCCTTCACAAGGAC[C>T]GCCCGGTGGAGCCGCTGGACCTGGCCGTGTTCTGGGTGGAGTTTGTGATGAGGCACAAGG-3'
Protein context (NP_000454.1, residues 440-460): IMRLSSLHKD[Arg450Cys]PVEPLDLAVF